The following is an entry in ClinVar:

ClinVar aggregate classification (germline): Uncertain significance. Review status: criteria provided, multiple submitters, no conflicts (2 of 4 stars). 2 submissions from 2 submitters: Uncertain significance (2). Last evaluated 2023-12-08.

Conditions:
POLD1-related polyposis and colorectal cancer syndrome (CRCS10). Also called: Colorectal cancer 10; COLORECTAL CANCER, SUSCEPTIBILITY TO, ON CHROMOSOME 19q; Colorectal cancer, susceptibility to, 10. Identifiers: Orphanet 220460, MedGen C2675481, MONDO:0012953, OMIM 612591.
Hereditary cancer-predisposing syndrome. Also called: Tumor predisposition; Neoplastic Syndromes, Hereditary; Hereditary Cancer Syndrome; Hereditary neoplastic syndrome. Identifiers: Orphanet 140162, MedGen C0027672, MeSH D009386, MONDO:0015356.

Submissions (2):

Labcorp Genetics (formerly Invitae), Labcorp
Classification: Uncertain significance for POLD1-related polyposis and colorectal cancer syndrome. Last evaluated: 2023-12-08. Review status: criteria provided, single submitter. Criteria: Invitae Variant Classification Sherloc (09022015). Collection method: clinical testing. Allele origin: germline.
Comment: This sequence change replaces alanine, which is neutral and non-polar, with valine, which is neutral and non-polar, at codon 820 of the POLD1 protein (p.Ala820Val). This variant is not present in population databases (gnomAD no frequency). This variant has not been reported in the literature in individuals affected with POLD1-related conditions. ClinVar contains an entry for this variant (Variation ID: 567391). Advanced modeling of protein sequence and biophysical properties (such as structural, functional, and spatial information, amino acid conservation, physicochemical variation, residue mobility, and thermodynamic stability) performed at Invitae indicates that this missense variant is not expected to disrupt POLD1 protein function with a negative predictive value of 80%. In summary, the available evidence is currently insufficient to determine the role of this variant in disease. Therefore, it has been classified as a Variant of Uncertain Significance.

Ambry Genetics
Classification: Uncertain significance for Hereditary cancer-predisposing syndrome. Last evaluated: 2023-08-29. Review status: criteria provided, single submitter. Criteria: Ambry Variant Classification Scheme 2023. Collection method: clinical testing. Allele origin: germline.
Comment: The p.A820V variant (also known as c.2459C>T), located in coding exon 19 of the POLD1 gene, results from a C to T substitution at nucleotide position 2459. The alanine at codon 820 is replaced by valine, an amino acid with similar properties. This amino acid position is conserved. In addition, this alteration is predicted to be tolerated by in silico analysis. Since supporting evidence is limited at this time, the clinical significance of this alteration remains unclear.

NM_002691.4(POLD1):c.2459C>T (p.Ala820Val)

Gene: POLD1 (DNA polymerase delta 1, catalytic subunit; plus strand). Cytogenetic location: 19q13.33.
Variant type: single nucleotide variant.
Coding change: c.2459C>T on transcript NM_002691.4 (MANE Select); coding-DNA position 2459, C replaced by T.
Protein change: p.Ala820Val; replaces alanine 820 with valine.
Molecular consequence: missense variant. On other transcripts: non-coding transcript variant (1).
Genome position (GRCh38, 1-based): chr19:50,414,885, C>T. VCF-style: chr19-50414885-C-T. GRCh37 (hg19) VCF-style: chr19-50918142-C-T.
Other names: c.2459C>T, p.Ala820Val (NM_001256849.1); c.2537C>T, p.Ala846Val (NM_001308632.1); c.2459C>T (NM_002691.2); short protein forms A820V, A846V.
Identifiers: ClinVar variation 567391 (VCV000567391.10), dbSNP rs1568636923, ClinGen allele CA406984804.